The following is an entry in ClinVar:

ClinVar aggregate classification (germline): Uncertain significance. Review status: criteria provided, multiple submitters, no conflicts (2 of 4 stars). 3 submissions from 3 submitters: Uncertain significance (3). Last evaluated 2025-01-27.

Conditions:
MYH3-related disorder. Also called: MYH3-related condition; MYH3-Related Disorders. Identifiers: MedGen CN239329.

Allele frequency attached by ClinVar (database versions not stated): gnomAD 0.00001; gnomAD exomes 0.00001; ExAC 0.00002.
gnomAD v4.1: 19 of 1,613,532 alleles (0.0012%); highest among the groups gnomAD compares: Middle Eastern, 0.016%; no homozygotes.

Submissions (3):

Labcorp Genetics (formerly Invitae), Labcorp
Classification: Uncertain significance. Last evaluated: 2025-01-27. Review status: criteria provided, single submitter. Criteria: Invitae Variant Classification Sherloc (09022015). Collection method: clinical testing. Allele origin: germline.
Comment: This sequence change replaces asparagine, which is neutral and polar, with serine, which is neutral and polar, at codon 1210 of the MYH3 protein (p.Asn1210Ser). This variant is present in population databases (rs763483836, gnomAD 0.003%). This variant has not been reported in the literature in individuals affected with MYH3-related conditions. ClinVar contains an entry for this variant (Variation ID: 1700424). Invitae Evidence Modeling of protein sequence and biophysical properties (such as structural, functional, and spatial information, amino acid conservation, physicochemical variation, residue mobility, and thermodynamic stability) indicates that this missense variant is not expected to disrupt MYH3 protein function with a negative predictive value of 95%. In summary, the available evidence is currently insufficient to determine the role of this variant in disease. Therefore, it has been classified as a Variant of Uncertain Significance.

PreventionGenetics, part of Exact Sciences
Classification: Uncertain significance for MYH3-related condition. Last evaluated: 2022-09-02. Review status: criteria provided, single submitter. Criteria: ACMG Guidelines, 2015. Collection method: clinical testing. Allele origin: germline.
Comment: The MYH3 c.3629A>G variant is predicted to result in the amino acid substitution p.Asn1210Ser. To our knowledge, this variant has not been reported in the literature. This variant is reported in 0.0018% of alleles in individuals of European (Non-Finnish) descent in gnomAD. At this time, the clinical significance of this variant is uncertain due to the absence of conclusive functional and genetic evidence.

GeneDx
Classification: Uncertain significance. Last evaluated: 2022-08-04. Review status: criteria provided, single submitter. Criteria: GeneDx Variant Classification Process June 2021. Collection method: clinical testing. Allele origin: germline. Affected: yes.
Comment: Not observed at significant frequency in large population cohorts (gnomAD); In silico analysis supports that this missense variant has a deleterious effect on protein structure/function; Has not been previously published as pathogenic or benign to our knowledge

NM_002470.4(MYH3):c.3629A>G (p.Asn1210Ser)

Gene: MYH3 (myosin heavy chain 3; minus strand). Cytogenetic location: 17p13.1.
Variant type: single nucleotide variant.
Coding change: c.3629A>G on transcript NM_002470.4 (MANE Select); coding-DNA position 3629, A replaced by G.
Protein change: p.Asn1210Ser; replaces asparagine 1210 with serine.
Molecular consequence: missense variant.
Genome position (GRCh38, 1-based): chr17:10,638,143, T>C on the plus strand (A>G on the coding strand, the complement: MYH3 is on the minus strand). VCF-style: chr17-10638143-T-C. GRCh37 (hg19) VCF-style: chr17-10541460-T-C.
Other names: short protein forms N1210S.
Identifiers: ClinVar variation 1700424 (VCV001700424.5), dbSNP rs763483836, ClinGen allele CA8392461.
Genomic context (GRCh38, chr17:10,638,143, plus strand): 5'-TCGATCTCCAGCTTGAACTCGCTCTTCTCCTTCTCCAGCTTCTGCTTGACCCGCTGCAGG[T>C]TGTCAATCTGCTCCCCAAGCTCGGCCACACTATCCGCATGCTTCTTCCTCAGCGCGGCCA-3'
Protein context (NP_002461.2, residues 1200-1220): SVAELGEQID[Asn1210Ser]LQRVKQKLEK